The following is an entry in ClinVar:

ClinVar aggregate classification (germline): Likely pathogenic (1 of 4 stars; one submission).

Conditions:
Microcephaly 5, primary, autosomal recessive (MCPH5). Also called: ASPM Primary Microcephaly. Identifiers: Orphanet 2512, MedGen C1837501, MONDO:0012106, OMIM 608716.

Submission:

Payam Genetics Center, General Welfare Department of North Khorasan Province
Classification: Likely pathogenic for Microcephaly 5, primary, autosomal recessive. Last evaluated: 2023-03-01. Review status: criteria provided, single submitter. Criteria: ACMG Guidelines, 2015. Collection method: clinical testing. Allele origin: germline. Affected: yes. Observed: 3 variant alleles.
Comment: The ASPM c.3879_3880delGA (p.Glu1293fs) is a frameshift mutation and results at the protein level is a disfunctional or truncated protein, predicted lead to disease.This variant is not present in Iranian population databases. This variant as Likely pathogenic according to the ACMG classification.

(p.Glu1198*)

NM_018136.5(ASPM):c.3879_3880del (p.Lys1294fs)

Gene: ASPM (assembly factor for spindle microtubules; minus strand). Cytogenetic location: 1q31.3.
Variant type: Microsatellite.
Coding change: c.3879_3880del on transcript NM_018136.5 (MANE Select); coding-DNA positions 3879 to 3880, 2 bases deleted (GA; older notation c.3879_3880delGA).
Protein change: p.Lys1294fs; shifts the reading frame from lysine 1294.
Molecular consequence: frameshift variant.
Genome position (GRCh38, 1-based): chr1:197,117,974-197,117,975, TC deleted on the plus strand (GA on the coding strand, the reverse complement: ASPM is on the minus strand); deleting any 2 consecutive bases within chr1:197,117,974-197,117,983 gives the same sequence; the c. name uses the placement nearest the transcript's 3' end. VCF-style (leftmost placement, unchanged base first): chr1-197117973-TTC-T. GRCh37 (hg19) VCF-style: chr1-197087103-TTC-T.
Other names: c.3879_3880del, p.Lys1294fs (NM_001206846.2); short protein forms K1294fs.
Identifiers: ClinVar variation 2499539 (VCV002499539.2), dbSNP rs753260382, ClinGen allele CA1310046.